The following is an entry in ClinVar:

ClinVar aggregate classification (germline): Conflicting classifications of pathogenicity. Review status: criteria provided, conflicting classifications (1 of 4 stars). 3 submissions from 3 submitters: Uncertain significance (2); Likely benign (1). Last evaluated 2026-02-19.

Conditions:
Catecholaminergic polymorphic ventricular tachycardia 1. Also called: VENTRICULAR TACHYCARDIA, STRESS-INDUCED POLYMORPHIC 1; VENTRICULAR TACHYCARDIA, CATECHOLAMINERGIC POLYMORPHIC, 1, WITH OR WITHOUT ATRIAL DYSFUNCTION AND/OR DILATED CARDIOMYOPATHY; RYR2-Related Catecholaminergic Polymorphic Ventricular Tachycardia. Identifiers: Orphanet 3286, MedGen C1631597, MONDO:0011484, OMIM 604772.
Catecholaminergic polymorphic ventricular tachycardia (CVPT). Also called: Catecholamine-induced polymorphic ventricular tachycardia. Identifiers: Orphanet 3286, MedGen C5574922, MONDO:0017990.
Cardiovascular phenotype. Identifiers: MedGen CN230736.

Allele frequency attached by ClinVar (database versions not stated): gnomAD exomes below 0.00001 and 0.00001; gnomAD 0.00001; TOPMed 0.00001; ExAC 0.00002; 1000 Genomes Project 30x 0.00016; 1000 Genomes Project 0.00020.
gnomAD v4.1: 3 of 1,614,002 alleles (0.00019%); highest among the groups gnomAD compares: East Asian, 0.0045%; no homozygotes.

Submissions (3):

Ambry Genetics
Classification: Uncertain significance for Cardiovascular phenotype. Last evaluated: 2026-02-19. Review status: criteria provided, single submitter. Criteria: Ambry Variant Classification Scheme 2023. Collection method: clinical testing. Allele origin: germline.
Comment: The p.A1717S variant (also known as c.5149G>T), located in coding exon 37 of the RYR2 gene, results from a G to T substitution at nucleotide position 5149. The alanine at codon 1717 is replaced by serine, an amino acid with similar properties. This amino acid position is conserved. In addition, the in silico prediction for this alteration is inconclusive. Based on the available evidence, the clinical significance of this variant remains unclear.

Labcorp Genetics (formerly Invitae), Labcorp
Classification: Likely benign for Catecholaminergic polymorphic ventricular tachycardia 1. Last evaluated: 2025-11-05. Review status: criteria provided, single submitter. Criteria: Invitae Variant Classification Sherloc (09022015). Collection method: clinical testing. Allele origin: germline.

All of Us Research Program, National Institutes of Health
Classification: Uncertain significance for Catecholaminergic polymorphic ventricular tachycardia. Last evaluated: 2024-04-16. Review status: criteria provided, single submitter. Criteria: ACMG Guidelines, 2015. Collection method: clinical testing. Allele origin: germline. Inheritance: Autosomal dominant inheritance. Observed: 1 variant allele, 1 heterozygote.
Comment: This missense variant replaces alanine with serine at codon 1717 of the RYR2 protein. Computational prediction suggests that this variant may not impact protein structure and function (internally defined REVEL score threshold <= 0.5, PMID: 27666373). To our knowledge, functional studies have not been reported for this variant. This variant has not been reported in individuals affected with RYR2-related disorders in the literature. This variant has been identified in 3/249082 chromosomes in the general population by the Genome Aggregation Database (gnomAD). The available evidence is insufficient to determine the role of this variant in disease conclusively. Therefore, this variant is classified as a Variant of Uncertain Significance.

This study involves interpretation of variants in research participants for the purpose of population health screening. Participant phenotype was not available at the time of variant classification. Additional details can be found in publication PMID: 35346344, PMCID: PMC8962531

NM_001035.3(RYR2):c.5149G>T (p.Ala1717Ser)

Gene: RYR2 (ryanodine receptor 2; plus strand). Cytogenetic location: 1q43.
Variant type: single nucleotide variant.
Coding change: c.5149G>T on transcript NM_001035.3 (MANE Select); coding-DNA position 5149, G replaced by T.
Protein change: p.Ala1717Ser; replaces alanine 1717 with serine.
Molecular consequence: missense variant.
Genome position (GRCh38, 1-based): chr1:237,614,277, G>T. VCF-style: chr1-237614277-G-T. GRCh37 (hg19) VCF-style: chr1-237777577-G-T.
Other names: short protein forms A1717S.
Identifiers: ClinVar variation 939649 (VCV000939649.20), dbSNP rs547829995, ClinGen allele CA086838.
Genomic context (GRCh38, chr1:237,614,277, plus strand): 5'-TTGCTGCGTGCTGGCTACTATGACCTGCTGATTGACATCCACCTGAGCTCCTATGCCACT[G>T]CCAGGCTCATGATGAACAACGAGTACATTGTCCCCATGACGGAGGAGACGAAGAGCATCA-3'
Protein context (NP_001026.2, residues 1707-1727): IDIHLSSYAT[Ala1717Ser]RLMMNNEYIV